The following is an entry in ClinVar:

NM_020366.4(RPGRIP1):c.2775G>A (p.Trp925Ter)

Gene: RPGRIP1 (RPGR interacting protein 1; plus strand). Cytogenetic location: 14q11.2.
Variant type: single nucleotide variant.
Coding change: c.2775G>A on transcript NM_020366.4 (MANE Select); coding-DNA position 2775, G replaced by A.
Protein change: p.Trp925Ter; replaces tryptophan 925 with a stop codon.
Molecular consequence: nonsense.
Genome position (GRCh38, 1-based): chr14:21,327,687, G>A. VCF-style: chr14-21327687-G-A. GRCh37 (hg19) VCF-style: chr14-21795846-G-A.
Other names: c.753G>A, p.Trp251Ter (NM_001377523.1, NM_001377950.1); c.1701G>A, p.Trp567Ter (NM_001377948.1); c.861G>A, p.Trp287Ter (NM_001377949.1); c.255G>A, p.Trp85Ter (NM_001377951.1); short protein forms W925*, W251*, W287*, W567*, W85*.
Identifiers: ClinVar variation 95949 (VCV000095949.13), dbSNP rs398124354, ClinGen allele CA223564.

ClinVar aggregate classification (germline): Pathogenic/Likely pathogenic. Review status: criteria provided, multiple submitters, no conflicts (2 of 4 stars). 6 submissions from 5 submitters: Pathogenic (5); Likely pathogenic (1). Last evaluated 2022-06-20.

Conditions:
Leber congenital amaurosis (LCA). Also called: Leber's amaurosis. Identifiers: Orphanet 65, MedGen C0339527, MeSH D057130, MONDO:0018998.
RPGRIP1-related disorder. Also called: RPGRIP1-related condition.
Leber congenital amaurosis 6 (LCA6). Identifiers: Orphanet 65, MedGen C1854260, MONDO:0013446, OMIM 613826.
Cone-rod dystrophy 13 (CORD13). Identifiers: Orphanet 1872, MedGen C2750720, MONDO:0011987, OMIM 608194.

Allele frequency attached by ClinVar (database versions not stated): gnomAD exomes below 0.00001 and 0.00001; ExAC 0.00001.
gnomAD v4.1: 2 of 1,613,928 alleles (0.00012%); highest among the groups gnomAD compares: Admixed American, 0.0017%; no homozygotes.

Submissions (6):

Labcorp Genetics (formerly Invitae), Labcorp
Classification: Pathogenic for Leber congenital amaurosis 6; Cone-rod dystrophy 13. Last evaluated: 2022-06-20. Review status: criteria provided, single submitter. Criteria: Invitae Variant Classification Sherloc (09022015). Collection method: clinical testing. Allele origin: germline.
Comment: This sequence change creates a premature translational stop signal (p.Trp925*) in the RPGRIP1 gene. It is expected to result in an absent or disrupted protein product. Loss-of-function variants in RPGRIP1 are known to be pathogenic (PMID: 11528500, 23105016). This variant is present in population databases (rs398124354, gnomAD 0.003%). This variant has not been reported in the literature in individuals affected with RPGRIP1-related conditions. ClinVar contains an entry for this variant (Variation ID: 95949). For these reasons, this variant has been classified as Pathogenic.

Genome-Nilou Lab
Classification: Pathogenic for Leber congenital amaurosis 6. Last evaluated: 2021-11-07. Review status: criteria provided, single submitter. Criteria: ACMG Guidelines, 2015. Collection method: clinical testing. Allele origin: germline. Affected: no.

Genome-Nilou Lab
Classification: Pathogenic for Cone-rod dystrophy 13. Last evaluated: 2021-11-07. Review status: criteria provided, single submitter. Criteria: ACMG Guidelines, 2015. Collection method: clinical testing. Allele origin: germline. Affected: no.

Center of Genomic medicine, Geneva, University Hospital of Geneva
Classification: Pathogenic for Leber congenital amaurosis. Last evaluated: 2018-04-13. Review status: criteria provided, single submitter. Criteria: ACMG Guidelines, 2015. Collection method: clinical testing. Allele origin: paternal. Affected: yes. Observed: 2 variant alleles.

Blueprint Genetics
Classification: Likely pathogenic for RPGRIP1-related disorders. Last evaluated: 2017-08-22. Review status: criteria provided, single submitter. Criteria: ACMG Guidelines, 2015. Collection method: clinical testing. Allele origin: germline. Affected: yes. Observed: 1 variant allele.

Eurofins Ntd Llc (ga)
Classification: Pathogenic. Last evaluated: 2013-10-24. Review status: criteria provided, single submitter. Criteria: EGL Classification Definitions 2015. Collection method: clinical testing. Allele origin: germline. Observed: 1 variant allele, 1 heterozygote.

Literature cited by the submitters: PubMed 11528500 (cited by Labcorp Genetics (formerly Invitae), Labcorp); PubMed 23105016 (cited by Labcorp Genetics (formerly Invitae), Labcorp).